The following is an entry in ClinVar:

ClinVar aggregate classification (germline): Uncertain significance (1 of 4 stars; one submission).

Conditions:
MHC class I deficiency. Identifiers: Orphanet 34592, MedGen C6024714, MONDO:0011476.

Submission:

Labcorp Genetics (formerly Invitae), Labcorp
Classification: Uncertain significance for MHC class I deficiency 1. Last evaluated: 2025-08-21. Review status: criteria provided, single submitter. Criteria: Invitae Variant Classification Sherloc (09022015). Collection method: clinical testing. Allele origin: germline.
Comment: This sequence change replaces arginine, which is basic and polar, with leucine, which is neutral and non-polar, at codon 88 of the TAP2 protein (p.Arg88Leu). This variant is not present in population databases (gnomAD no frequency). This variant has not been reported in the literature in individuals affected with TAP2-related conditions. ClinVar contains an entry for this variant (Variation ID: 1060406). Experimental studies and prediction algorithms are not available or were not evaluated, and the functional significance of this variant is currently unknown. In summary, the available evidence is currently insufficient to determine the role of this variant in disease. Therefore, it has been classified as a Variant of Uncertain Significance.

NM_001290043.2(TAP2):c.263G>T (p.Arg88Leu)

Gene: TAP2 (transporter 2, ATP binding cassette subfamily B member; minus strand). Cytogenetic location: 6p21.32.
Variant type: single nucleotide variant.
Coding change: c.263G>T on transcript NM_001290043.2 (MANE Select); coding-DNA position 263, G replaced by T.
Protein change: p.Arg88Leu; replaces arginine 88 with leucine.
Molecular consequence: missense variant.
Genome position (GRCh38, 1-based): chr6:32,837,971, C>A on the plus strand (G>T on the coding strand, the complement: TAP2 is on the minus strand). VCF-style: chr6-32837971-C-A. GRCh37 (hg19) VCF-style: chr6-32805748-C-A.
Other names: c.263G>T, p.Arg88Leu (NM_000544.3, NM_018833.3); short protein forms R88L.
Identifiers: ClinVar variation 1060406 (VCV001060406.8), dbSNP rs1283482331, ClinGen allele CA363586799.
Genomic context (GRCh38, chr6:32,837,971, plus strand): 5'-GCCCCGTACCCCACCAGCAGCCAGCTCCAAGGGGCTGAAGCGACTCTGGCTGGGGGAGCA[C>A]GTGAGGCCCCCGCGACCAGGGCTCTCAGGGAGACAGTCAGGGGGGTGGCCAGACAGAGCG-3'
Protein context (NP_001276972.1, residues 78-98): SLRALVAGAS[Arg88Leu]APPARVASAP